The following is an entry in ClinVar:

NM_000617.3(SLC11A2):c.*789G>A

Gene: SLC11A2 (solute carrier family 11 member 2; minus strand). Cytogenetic location: 12q13.12.
Variant type: single nucleotide variant.
Coding change: c.*789G>A on transcript NM_000617.3 (MANE Select); 789 bases downstream of the stop codon, G replaced by A.
Molecular consequence: 3 prime UTR variant. On other transcripts: non-coding transcript variant (4), intron variant (8).
Genome position (GRCh38, 1-based): chr12:50,987,536, C>T on the plus strand (G>A on the coding strand, the complement: SLC11A2 is on the minus strand). VCF-style: chr12-50987536-C-T. GRCh37 (hg19) VCF-style: chr12-51381319-C-T.
Other names: c.*789G>A (NM_001174125.2, NM_001174128.2, NM_001174129.2 and 6 more transcripts); c.1716+846G>A (NM_001379446.1); c.1518+846G>A (NM_001414747.1); c.1629+846G>A (NM_001174127.2, NM_001174126.2, NM_001379447.2); c.*25+764G>A (NM_001414744.1, NM_001414746.1); c.1617+846G>A (NM_001379448.1).
Identifiers: ClinVar variation 882809 (VCV000882809.4), dbSNP rs79206015, ClinGen allele CA6566384.

ClinVar aggregate classification (germline): Benign (1 of 4 stars; one submission).

Conditions:
Microcytic anemia with liver iron overload. Also called: Anemia, hypochromic microcytic, with iron overload 1. Identifiers: Orphanet 83642, MedGen C3806153, MONDO:0008787, OMIM 206100.

Allele frequency attached by ClinVar (database versions not stated): ExAC 0.00065; gnomAD exomes 0.00089; 1000 Genomes Project 30x 0.00453; 1000 Genomes Project 0.00459; gnomAD 0.00503 and 0.00538; TOPMed 0.00566.
gnomAD v4.1: 1,306 of 1,287,226 alleles (0.1%); highest among the groups gnomAD compares: African/African-American, 1.8%; 12 homozygotes.

Submission:

Illumina Laboratory Services, Illumina
Classification: Benign for Microcytic anemia with liver iron overload. Last evaluated: 2018-01-12. Review status: criteria provided, single submitter. Criteria: ICSL Variant Classification Criteria 13 December 2019. Collection method: clinical testing. Allele origin: germline.
Comment: This variant was observed in the ICSL laboratory as part of a predisposition screen in an ostensibly healthy population. It had not been previously curated by ICSL or reported in the Human Gene Mutation Database (HGMD: prior to June 1st, 2018), and was therefore a candidate for classification through an automated scoring system. Utilizing variant allele frequency, disease prevalence and penetrance estimates, and inheritance mode, an automated score was calculated to assess if this variant is too frequent to cause the disease. Based on the score and internal cut-off values, a variant classified as benign is not then subjected to further curation. The score for this variant resulted in a classification of benign for this disease.